The following is an entry in ClinVar:

ClinVar aggregate classification (germline): Uncertain significance. Review status: criteria provided, multiple submitters, no conflicts (2 of 4 stars). 2 submissions from 2 submitters: Uncertain significance (2). Last evaluated 2025-11-13.

Conditions:
PLXNA1-related disorder. Also called: PLXNA1-related condition.

gnomAD v4.1: 61 of 1,613,090 alleles (0.0038%); highest among the groups gnomAD compares: Middle Eastern, 0.016%; no homozygotes.

Submissions (2):

Ambry Genetics
Classification: Uncertain significance. Last evaluated: 2025-11-13. Review status: criteria provided, single submitter. Criteria: Ambry Variant Classification Scheme 2023. Collection method: clinical testing. Allele origin: germline.

PreventionGenetics, part of Exact Sciences
Classification: Uncertain significance for PLXNA1-related condition. Last evaluated: 2025-01-23. Review status: criteria provided, single submitter. Criteria: ACMG Guidelines, 2015. Collection method: clinical testing. Allele origin: germline.
Comment: The PLXNA1 c.965G>A variant is predicted to result in the amino acid substitution p.Arg322His. To our knowledge, this variant has not been reported in the literature. This variant is reported in 0.021% of alleles in individuals of European (Non-Finnish) descent in gnomAD. At this time, the clinical significance of this variant is uncertain due to the absence of conclusive functional and genetic evidence.

NM_032242.4(PLXNA1):c.965G>A (p.Arg322His)

Gene: PLXNA1 (plexin A1; plus strand). Cytogenetic location: 3q21.3.
Variant type: single nucleotide variant.
Coding change: c.965G>A on transcript NM_032242.4 (MANE Select); coding-DNA position 965, G replaced by A.
Protein change: p.Arg322His; replaces arginine 322 with histidine.
Molecular consequence: missense variant.
Genome position (GRCh38, 1-based): chr3:126,989,558, G>A. VCF-style: chr3-126989558-G-A. GRCh37 (hg19) VCF-style: chr3-126708401-G-A.
Other names: short protein forms R322H.
Identifiers: ClinVar variation 4569743 (VCV004569743.2).